The following is an entry in ClinVar:

ClinVar aggregate classification (germline): Uncertain significance (1 of 4 stars; one submission).

Conditions:
Baller-Gerold syndrome (BGS). Also called: CRANIOSYNOSTOSIS WITH RADIAL DEFECTS. Identifiers: Orphanet 1225, MedGen C0265308, MONDO:0009039, OMIM 218600.

Allele frequency attached by ClinVar (database versions not stated): TOPMed 0.00001.

Submission:

Labcorp Genetics (formerly Invitae), Labcorp
Classification: Uncertain significance for Baller-Gerold syndrome. Last evaluated: 2022-02-23. Review status: criteria provided, single submitter. Criteria: Invitae Variant Classification Sherloc (09022015). Collection method: clinical testing. Allele origin: germline.
Comment: This sequence change replaces leucine, which is neutral and non-polar, with valine, which is neutral and non-polar, at codon 640 of the RECQL4 protein (p.Leu640Val). This variant is not present in population databases (gnomAD no frequency). This variant has not been reported in the literature in individuals affected with RECQL4-related conditions. Experimental studies and prediction algorithms are not available or were not evaluated, and the functional significance of this variant is currently unknown. In summary, the available evidence is currently insufficient to determine the role of this variant in disease. Therefore, it has been classified as a Variant of Uncertain Significance.

NM_004260.4(RECQL4):c.1918C>G (p.Leu640Val)

Gene: RECQL4 (RecQ like helicase 4; minus strand). Cytogenetic location: 8q24.3.
Variant type: single nucleotide variant.
Coding change: c.1918C>G on transcript NM_004260.4 (MANE Select); coding-DNA position 1918, C replaced by G.
Protein change: p.Leu640Val; replaces leucine 640 with valine.
Molecular consequence: missense variant.
Genome position (GRCh38, 1-based): chr8:144,514,068, G>C on the plus strand (C>G on the coding strand, the complement: RECQL4 is on the minus strand). VCF-style: chr8-144514068-G-C. GRCh37 (hg19) VCF-style: chr8-145739452-G-C.
Other names: c.817C>G, p.Leu273Val (NM_001413042.1); c.451C>G, p.Leu151Val (NM_001413043.1); c.847C>G, p.Leu283Val (NM_001413035.1, NM_001413038.1, NM_001413040.1 and 6 more transcripts); c.1918C>G, p.Leu640Val (NM_001413036.1, NM_001413018.1, NM_001413019.1); c.715C>G, p.Leu239Val (NM_001413037.1); c.1888C>G, p.Leu630Val (NM_001413039.1); c.781C>G, p.Leu261Val (NM_001413041.1, NM_001413027.1, NM_001413030.1 and 1 more transcripts); c.1822C>G, p.Leu608Val (NM_001413017.1, NM_001413020.1); and 4 more; short protein forms L217V, L239V, L283V, L608V, L630V, L640V, L261V, L523V.
Identifiers: ClinVar variation 2190926 (VCV002190926.4), dbSNP rs766559898, ClinGen allele CA372680487.